The following is an entry in ClinVar:

NM_017637.6(BNC2):c.3089G>A (p.Gly1030Glu)

Gene: BNC2 (basonuclin zinc finger protein 2; minus strand). Cytogenetic location: 9p22.3.
Variant type: single nucleotide variant.
Coding change: c.3089G>A on transcript NM_017637.6 (MANE Select); coding-DNA position 3089, G replaced by A.
Protein change: p.Gly1030Glu; replaces glycine 1030 with glutamic acid.
Molecular consequence: missense variant. On other transcripts: 3 prime UTR variant (1).
Genome position (GRCh38, 1-based): chr9:16,419,200, C>T on the plus strand (G>A on the coding strand, the complement: BNC2 is on the minus strand). VCF-style: chr9-16419200-C-T. GRCh37 (hg19) VCF-style: chr9-16419198-C-T.
Other names: c.*433G>A (NM_001317939.2); c.2804G>A, p.Gly935Glu (NM_001317940.2); short protein forms G1030E, G935E.
Identifiers: ClinVar variation 2973134 (VCV002973134.3), dbSNP rs372397169, ClinGen allele CA4995620.

ClinVar aggregate classification (germline): Uncertain significance (1 of 4 stars; one submission).

Allele frequency attached by ClinVar (database versions not stated): ESP Exome Variant Server 0.00008.
gnomAD v4.1: 3 of 1,614,084 alleles (0.00019%); highest among the groups gnomAD compares: African/African-American, 0.004%; no homozygotes.

Submission:

Labcorp Genetics (formerly Invitae), Labcorp
Classification: Uncertain significance. Last evaluated: 2023-08-30. Review status: criteria provided, single submitter. Criteria: Invitae Variant Classification Sherloc (09022015). Collection method: clinical testing. Allele origin: germline.
Comment: This sequence change replaces glycine, which is neutral and non-polar, with glutamic acid, which is acidic and polar, at codon 1030 of the BNC2 protein (p.Gly1030Glu). This variant is present in population databases (rs372397169, gnomAD 0.008%). This variant has not been reported in the literature in individuals affected with BNC2-related conditions. An algorithm developed to predict the effect of missense changes on protein structure and function (PolyPhen-2) suggests that this variant is likely to be tolerated. In summary, the available evidence is currently insufficient to determine the role of this variant in disease. Therefore, it has been classified as a Variant of Uncertain Significance.